The following is an entry in ClinVar:

ClinVar aggregate classification (germline): Uncertain significance (1 of 4 stars; one submission).

Conditions:
Familial thoracic aortic aneurysm and aortic dissection (TAAD). Also called: Thoracic aortic aneurysms and dissections. Identifiers: Orphanet 91387, MedGen C4707243, MONDO:0019625.

Submission:

Color Diagnostics, LLC DBA Color Health
Classification: Uncertain significance for Familial thoracic aortic aneurysm and aortic dissection. Last evaluated: 2024-03-07. Review status: criteria provided, single submitter. Criteria: ACMG Guidelines, 2015. Collection method: clinical testing. Allele origin: germline.
Comment: This missense variant replaces alanine with aspartic acid at codon 1310 of the MYH11 protein. Computational prediction suggests that this variant may not impact protein structure and function (internally defined REVEL score threshold <= 0.5, PMID: 27666373). To our knowledge, functional studies have not been reported for this variant. This variant has not been reported in individuals affected with cardiovascular disorders in the literature. This variant has not been identified in the general population by the Genome Aggregation Database (gnomAD). The available evidence is insufficient to determine the role of this variant in disease conclusively. Therefore, this variant is classified as a Variant of Uncertain Significance.

NM_002474.3(MYH11):c.3908C>A (p.Ala1303Asp)

Genes: MYH11 (myosin heavy chain 11; minus strand), NDE1 (nudE neurodevelopment protein 1; plus strand). Cytogenetic location: 16p13.11.
Variant type: single nucleotide variant.
Coding change: c.3908C>A on transcript NM_002474.3 (MANE Select); coding-DNA position 3908, C replaced by A.
Protein change: p.Ala1303Asp; replaces alanine 1303 with aspartic acid.
Molecular consequence: missense variant. On other transcripts: 3 prime UTR variant (2).
Genome position (GRCh38, 1-based): chr16:15,724,943, G>T on the plus strand (C>A on the coding strand, the complement: MYH11 is on the minus strand). VCF-style: chr16-15724943-G-T. GRCh37 (hg19) VCF-style: chr16-15818800-G-T.
Other names: c.3929C>A, p.Ala1310Asp (NM_001040113.2, NM_001040114.2); c.3908C>A, p.Ala1303Asp (NM_022844.3); c.*692G>T (NM_001143979.2, NM_017668.3); short protein forms A1303D, A1310D.
Identifiers: ClinVar variation 2773818 (VCV002773818.2), dbSNP rs2506145254, ClinGen allele CA394859060.